The following is an entry in ClinVar:

NM_144643.4(SCLT1):c.1219-1G>A

Gene: SCLT1 (sodium channel and clathrin linker 1; minus strand). Cytogenetic location: 4q28.2.
Variant type: single nucleotide variant.
Coding change: c.1219-1G>A on transcript NM_144643.4 (MANE Select); the canonical splice acceptor site of the intron before coding-DNA position 1219, G replaced by A.
Molecular consequence: splice acceptor variant.
Genome position (GRCh38, 1-based): chr4:128,948,571, C>T on the plus strand (G>A on the coding strand, the complement: SCLT1 is on the minus strand). VCF-style: chr4-128948571-C-T. GRCh37 (hg19) VCF-style: chr4-129869726-C-T.
Other names: c.1219-1G>A (NM_001410807.1).
Identifiers: ClinVar variation 2989122 (VCV002989122.3), dbSNP rs1385129513, ClinGen allele CA358187416.
Genomic context (GRCh38, chr4:128,948,571, plus strand): 5'-TTCCACTGCTTTTTTTTCCTTAATGACTCGTTCAATTTGGCCTTGTTTTTCAGCACACTC[C>T]TATAAATTCAAGTCATATTGTAAATATATACATTTGGTAACATCTTAAGAAAAGTGGGGA-3'

ClinVar aggregate classification (germline): Likely pathogenic (1 of 4 stars; one submission).

Allele frequency attached by ClinVar (database versions not stated): TOPMed below 0.00001.

Submission:

Labcorp Genetics (formerly Invitae), Labcorp
Classification: Likely pathogenic. Last evaluated: 2023-10-28. Review status: criteria provided, single submitter. Criteria: Invitae Variant Classification Sherloc (09022015). Collection method: clinical testing. Allele origin: germline.
Comment: This sequence change affects an acceptor splice site in intron 14 of the SCLT1 gene. It is expected to disrupt RNA splicing. Variants that disrupt the donor or acceptor splice site typically lead to a loss of protein function (PMID: 16199547), and loss-of-function variants in SCLT1 are known to be pathogenic (PMID: 28005958). This variant is not present in population databases (gnomAD no frequency). This variant has not been reported in the literature in individuals affected with SCLT1-related conditions. Algorithms developed to predict the effect of sequence changes on RNA splicing suggest that this variant may disrupt the consensus splice site. In summary, the currently available evidence indicates that the variant is pathogenic, but additional data are needed to prove that conclusively. Therefore, this variant has been classified as Likely Pathogenic.

Literature cited by the submitters: PubMed 16199547; PubMed 28005958.